The following is an entry in ClinVar:

NM_000368.5(TSC1):c.965T>C (p.Met322Thr)

Gene: TSC1 (TSC complex subunit 1; minus strand). Cytogenetic location: 9q34.13.
Variant type: single nucleotide variant.
Coding change: c.965T>C on transcript NM_000368.5 (MANE Select); coding-DNA position 965, T replaced by C.
Protein change: p.Met322Thr; replaces methionine 322 with threonine.
Molecular consequence: missense variant.
Genome position (GRCh38, 1-based): chr9:132,911,517, A>G on the plus strand (T>C on the coding strand, the complement: TSC1 is on the minus strand). VCF-style: chr9-132911517-A-G. GRCh37 (hg19) VCF-style: chr9-135786904-A-G.
Other names: p.M322T:ATG>ACG; c.965T>C, p.Met322Thr (NM_001162426.2); c.812T>C, p.Met271Thr (NM_001162427.2); c.602T>C, p.Met201Thr (NM_001362177.2); short protein forms M322T, M201T, M271T.
Identifiers: ClinVar variation 41700 (VCV000041700.56), dbSNP rs1073123, ClinGen allele CA008447.

ClinVar aggregate classification (germline): Benign. Review status: criteria provided, multiple submitters, no conflicts (2 of 4 stars). 30 submissions from 27 submitters: Benign (21). 9 of the submissions do not count toward it. Last evaluated 2026-02-04.

Conditions:
Hereditary cancer-predisposing syndrome. Also called: Tumor predisposition; Neoplastic Syndromes, Hereditary; Hereditary neoplastic syndrome; Hereditary Cancer Syndrome. Identifiers: Orphanet 140162, MedGen C0027672, MeSH D009386, MONDO:0015356.
Lymphangiomyomatosis (LAM). Also called: Lymphangioleiomyomatosis, somatic; Lymphangioleiomyomatosis. Identifiers: Orphanet 538, MedGen C0751674, MONDO:0011705, OMIM 606690.
Tuberous sclerosis syndrome (TSC). Also called: Tuberous Sclerosis Complex; Tuberous sclerosis. Identifiers: Orphanet 805, MedGen C0041341, MONDO:0001734.
Isolated focal cortical dysplasia type II (FCORD2). Also called: CORTICAL DYSPLASIA OF TAYLOR; Focal cortical dysplasia type II. Identifiers: Orphanet 268994, MedGen C1846385, MONDO:0011818, OMIM 607341, HP:0032051.
Malignant tumor of urinary bladder. Also called: Bladder cancer; Urinary bladder cancer; Urinary Bladder Neoplasms. Identifiers: MedGen C0005684, MONDO:0001187, OMIM 109800.
Tuberous sclerosis 1 (TSC1). Identifiers: Orphanet 805, MedGen C1854465, MONDO:0008612, OMIM 191100.
Malignant tumor of breast. Also called: Malignant breast neoplasm; Cancer breast. Identifiers: MedGen C0006142, MONDO:0007254. Disease mechanism: loss of function.

Allele frequency attached by ClinVar (database versions not stated): gnomAD exomes 0.12519 and 0.13238; ExAC 0.12903; 1000 Genomes Project 0.13518; 1000 Genomes Project 30x 0.13929; gnomAD 0.15078 and 0.15387; TOPMed 0.15336; ESP Exome Variant Server 0.16546.

Submissions (30):

Labcorp Genetics (formerly Invitae), Labcorp
Classification: Benign for Tuberous sclerosis 1. Last evaluated: 2026-02-04. Review status: criteria provided, single submitter. Criteria: Invitae Variant Classification Sherloc (09022015). Collection method: clinical testing. Allele origin: germline.

ARUP Laboratories, Molecular Genetics and Genomics, ARUP Laboratories
Classification: Benign. Last evaluated: 2025-07-21. Review status: criteria provided, single submitter. Criteria: ARUP Molecular Germline Variant Investigation Process 2024. Collection method: clinical testing. Allele origin: germline.

Myriad Genetics, Inc.
Classification: Benign for Tuberous sclerosis 1. Last evaluated: 2025-04-09. Review status: criteria provided, single submitter. Criteria: Myriad Autosomal Dominant, Autosomal Recessive and X-Linked Classification Criteria (2023). Collection method: clinical testing. Allele origin: unknown.
Comment: This variant is considered benign. This variant has been observed at a population frequency that is significantly greater than expected given the associated disease prevalence and penetrance.

Blueprint Genetics
Classification: Benign. Last evaluated: 2024-11-27. Review status: criteria provided, single submitter. Criteria: ACMG Guidelines, 2015. Collection method: clinical testing. Allele origin: germline.

All of Us Research Program, National Institutes of Health
Classification: Benign for Tuberous sclerosis syndrome. Last evaluated: 2024-10-03. Review status: criteria provided, single submitter. Criteria: ACMG Guidelines, 2015. Collection method: clinical testing. Allele origin: germline. Inheritance: Autosomal dominant inheritance. Observed: 36,722 variant alleles, 33,892 heterozygotes, 2,815 homozygotes, 15 hemizygotes.
Comment: This study involves interpretation of variants in research participants for the purpose of population health screening. Participant phenotype was not available at the time of variant classification. Additional details can be found in publication PMID: 35346344, PMCID: PMC8962531

Institute for Biomarker Research, Medical Diagnostic Laboratories, L.L.C.
Classification: Benign for Hereditary cancer-predisposing syndrome. Last evaluated: 2023-09-12. Review status: criteria provided, single submitter. Criteria: ACMG Guidelines, 2015. Collection method: clinical testing. Allele origin: germline.

KCCC/NGS Laboratory, Kuwait Cancer Control Center
Classification: Benign for Tuberous sclerosis 1. Last evaluated: 2023-07-07. Review status: criteria provided, single submitter. Criteria: ACMG Guidelines, 2015. Collection method: clinical testing. Allele origin: germline. Affected: yes.

Mayo Clinic Laboratories, Mayo Clinic
Classification: Benign. Last evaluated: 2022-11-17. Review status: criteria provided, single submitter. Criteria: ACMG Guidelines, 2015. Collection method: clinical testing. Allele origin: germline. Observed: 354 variant alleles.
Comment: BA1

Color Diagnostics, LLC DBA Color Health
Classification: Benign for Tuberous sclerosis syndrome. Last evaluated: 2022-05-26. Review status: criteria provided, single submitter. Criteria: ACMG Guidelines, 2015. Collection method: clinical testing. Allele origin: germline.

Genome-Nilou Lab
Classification: Benign for Tuberous sclerosis 1. Last evaluated: 2021-11-07. Review status: criteria provided, single submitter. Criteria: ACMG Guidelines, 2015. Collection method: clinical testing. Allele origin: germline. Affected: no.

Division of Genomic Medicine, Department of Advanced Medicine, Medical Research Institute, Kanazawa Medical University
Classification: Benign for Tuberous sclerosis 1. Last evaluated: 2020-07-10. Review status: criteria provided, single submitter. Criteria: ACMG Guidelines, 2015. Collection method: clinical testing. Allele origin: germline. Affected: yes. Observed: 1 variant allele.

Ambry Genetics
Classification: Benign for Hereditary cancer-predisposing syndrome. Last evaluated: 2019-05-07. Review status: criteria provided, single submitter. Criteria: Ambry Variant Classification Scheme 2023. Collection method: clinical testing. Allele origin: germline.

Illumina Laboratory Services, Illumina
Classification: Benign for Isolated focal cortical dysplasia type II. Last evaluated: 2018-01-13. Review status: criteria provided, single submitter. Criteria: ICSL Variant Classification Criteria 13 December 2019. Collection method: clinical testing. Allele origin: germline.
Comment: This variant was observed in the ICSL laboratory as part of a predisposition screen in an ostensibly healthy population. It had not been previously curated by ICSL or reported in the Human Gene Mutation Database (HGMD: prior to June 1st, 2018), and was therefore a candidate for classification through an automated scoring system. Utilizing variant allele frequency, disease prevalence and penetrance estimates, and inheritance mode, an automated score was calculated to assess if this variant is too frequent to cause the disease. Based on the score and internal cut-off values, a variant classified as benign is not then subjected to further curation. The score for this variant resulted in a classification of benign for this disease.

Illumina Laboratory Services, Illumina
Classification: Benign for Tuberous sclerosis 1. Last evaluated: 2018-01-13. Review status: criteria provided, single submitter. Criteria: ICSL Variant Classification Criteria 13 December 2019. Collection method: clinical testing. Allele origin: germline.
Comment: the same text as in the submission from Illumina Laboratory Services, Illumina above.

Athena Diagnostics
Classification: Benign for Tuberous sclerosis 1. Last evaluated: 2017-04-14. Review status: criteria provided, single submitter. Criteria: Athena Diagnostics Criteria. Collection method: clinical testing. Allele origin: germline.

Women's Health and Genetics/Laboratory Corporation of America, LabCorp
Classification: Benign. Last evaluated: 2016-05-26. Review status: criteria provided, single submitter. Criteria: LabCorp Variant Classification Summary - May 2015. Collection method: clinical testing. Allele origin: germline.
Comment: Variant summary: The TSC1 c.965T>C (p.Met322Thr) variant causes a missense change involving a non-conserved nucleotide with 3/5 in silico tools predicting a benign outcome. This variant was found in the large, broad control population, ExAC, with an allele frequency of 15658/121348 (1104 homozygotes, 1/7, frequency: 0.1290339), which significantly exceeds the estimated maximal expected allele frequency for a pathogenic TSC1 variant of 1/40000 (0.000025), suggesting this variant is likely a benign polymorphism. In addition, multiple reputable databases/clinical laboratories cite the variant as "benign." Therefore, the variant has been classified as Benign.

Eurofins Ntd Llc (ga)
Classification: Benign. Last evaluated: 2014-07-31. Review status: criteria provided, single submitter. Criteria: EGL Classification Definitions 2015. Collection method: clinical testing. Allele origin: germline. Observed: 1 variant allele, 1 heterozygote.

GeneDx
Classification: Benign. Last evaluated: 2013-05-24. Review status: criteria provided, single submitter. Criteria: GeneDx Variant Classification (06012015). Collection method: clinical testing. Allele origin: germline. Affected: yes.
Comment: This variant is considered likely benign or benign based on one or more of the following criteria: it is a conservative change, it occurs at a poorly conserved position in the protein, it is predicted to be benign by multiple in silico algorithms, and/or has population frequency not consistent with disease.

Laboratory for Molecular Medicine, Mass General Brigham Personalized Medicine
Classification: Benign. Last evaluated: 2013-02-21. Review status: criteria provided, single submitter. Criteria: LMM Criteria. Collection method: clinical testing. Allele origin: germline. Observed: 20 variant alleles.
Comment: Met322Thr in exon 10 of TSC1: This variant is not expected to have clinical sign ificance because it has been identified in 21.9% (967/4406) of African American chromosomes from a broad population by the NHLBI Exome Sequencing Project (dbSNP rs1073123).

Breakthrough Genomics
Classification: Benign. Review status: criteria provided, single submitter. Criteria: ACMG Guidelines, 2015. Collection method: not provided. Allele origin: germline. Inheritance: Autosomal dominant inheritance. Affected: yes.

PreventionGenetics, part of Exact Sciences
Classification: Benign. Review status: criteria provided, single submitter. Criteria: ACMG Guidelines, 2015. Collection method: clinical testing. Allele origin: germline.

ITMI
No classification provided. Condition: AllHighlyPenetrant. Last evaluated: 2013-09-19. Review status: no classification provided. Collection method: reference population. Allele origin: germline. Not counted in ClinVar's aggregate classification.
Comment: Please see associated publication for description of ethnicities

Biesecker Lab/Clinical Genomics Section, National Institutes of Health
Classification: Benign. Last evaluated: 2012-07-13. Review status: no assertion criteria provided. Collection method: research. Allele origin: germline. Affected: no. Observed: 131 variant alleles. Study: ClinSeq. Not counted in ClinVar's aggregate classification.
ClinVar note: Converted during submission from no known pathogenicity to Benign.

Center of Medical Genetics and Primary Health Care
Classification: Benign for Breast Cancer. Review status: no assertion criteria provided. Collection method: clinical testing. Allele origin: germline. Affected: yes. Not counted in ClinVar's aggregate classification.

Clinical Genetics DNA and cytogenetics Diagnostics Lab, Erasmus MC, Erasmus Medical Center
Classification: Benign. Review status: no assertion criteria provided. Collection method: clinical testing. Allele origin: germline. Affected: yes. Study: VKGL Data-share Consensus. Not counted in ClinVar's aggregate classification.

Clinical Genetics, Academic Medical Center
Classification: Benign. Review status: no assertion criteria provided. Collection method: clinical testing. Allele origin: germline. Affected: yes. Study: VKGL Data-share Consensus. Not counted in ClinVar's aggregate classification.

Genetic Services Laboratory, University of Chicago
Classification: Likely benign for AllHighlyPenetrant. Review status: no assertion criteria provided. Collection method: clinical testing. Allele origin: germline. Inheritance: Autosomal dominant inheritance. Not counted in ClinVar's aggregate classification.
Comment: Likely benign based on allele frequency in 1000 Genomes Project or ESP global frequency and its presence in a patient with a rare or unrelated disease phenotype. NOT Sanger confirmed.

Tuberous sclerosis database (TSC1)
No classification provided. Condition: TSC. Review status: no classification provided. Criteria: Tuberous Sclerosis Database Assertion Criteria 2015. Collection method: curation. Allele origin: germline. Affected: yes. Not counted in ClinVar's aggregate classification.

Tuberous sclerosis database (TSC1)
No classification provided. Condition: Bladder cancer. Review status: no classification provided. Criteria: Tuberous Sclerosis Database Assertion Criteria 2015. Collection method: curation. Allele origin: germline. Affected: yes. Not counted in ClinVar's aggregate classification.

Tuberous sclerosis database (TSC1)
No classification provided. Condition: TSC; LAM. Review status: no classification provided. Criteria: Tuberous Sclerosis Database Assertion Criteria 2015. Collection method: curation. Allele origin: germline. Affected: yes. Not counted in ClinVar's aggregate classification.

Literature cited by the submitters: PubMed 24728327 (cited by ITMI).